The following is an entry in ClinVar:

NM_152564.5(VPS13B):c.3307T>C (p.Trp1103Arg)

Gene: VPS13B (vacuolar protein sorting 13 homolog B; plus strand). Cytogenetic location: 8q22.2.
Variant type: single nucleotide variant.
Coding change: c.3307T>C on transcript NM_152564.5 (MANE Select); coding-DNA position 3307, T replaced by C.
Protein change: p.Trp1103Arg; replaces tryptophan 1103 with arginine.
Molecular consequence: missense variant.
Genome position (GRCh38, 1-based): chr8:99,442,497, T>C. VCF-style: chr8-99442497-T-C. GRCh37 (hg19) VCF-style: chr8-100454725-T-C.
Other names: c.3307T>C, p.Trp1103Arg (NM_017890.5); short protein forms W1103R.
Identifiers: ClinVar variation 1730029 (VCV001730029.2), dbSNP rs747406522, ClinGen allele CA371870640.

ClinVar aggregate classification (germline): Uncertain significance (1 of 4 stars; one submission).

Conditions:
Inborn genetic diseases. Identifiers: MedGen C0950123, MeSH D030342.

Submission:

Ambry Genetics
Classification: Uncertain significance for Inborn genetic diseases. Last evaluated: 2019-05-31. Review status: criteria provided, single submitter. Criteria: Ambry Variant Classification Scheme 2023. Collection method: clinical testing. Allele origin: germline.
Comment: The p.W1103R variant (also known as c.3307T>C), located in coding exon 22 of the VPS13B gene, results from a T to C substitution at nucleotide position 3307. The tryptophan at codon 1103 is replaced by arginine, an amino acid with dissimilar properties. This amino acid position is highly conserved in available vertebrate species. In addition, the in silico prediction for this alteration is inconclusive. Since supporting evidence is limited at this time, the clinical significance of this alteration remains unclear.